The following is an entry in ClinVar:

ClinVar aggregate classification (germline): Uncertain significance. Review status: criteria provided, multiple submitters, no conflicts (2 of 4 stars). 2 submissions from 2 submitters: Uncertain significance (2). Last evaluated 2021-02-08.

Conditions:
Juvenile polyposis syndrome (JPS). Identifiers: Orphanet 2929, MedGen C0345893, MONDO:0017380, OMIM 174900.
Familial thoracic aortic aneurysm and aortic dissection (TAAD). Also called: Thoracic aortic aneurysms and dissections. Identifiers: Orphanet 91387, MedGen C4707243, MONDO:0019625.
Hereditary cancer-predisposing syndrome. Also called: Tumor predisposition; Hereditary neoplastic syndrome; Neoplastic Syndromes, Hereditary; Hereditary Cancer Syndrome. Identifiers: Orphanet 140162, MedGen C0027672, MeSH D009386, MONDO:0015356.

Allele frequency attached by ClinVar (database versions not stated): gnomAD exomes below 0.00001.
gnomAD v4.1: 1 of 1,612,718 alleles (0.000062%); highest among the groups gnomAD compares: East Asian, 0.0022%; no homozygotes.

Submissions (2):

Labcorp Genetics (formerly Invitae), Labcorp
Classification: Uncertain significance for Juvenile polyposis syndrome. Last evaluated: 2021-02-08. Review status: criteria provided, single submitter. Criteria: Invitae Variant Classification Sherloc (09022015). Collection method: clinical testing. Allele origin: germline.
Comment: In summary, the available evidence is currently insufficient to determine the role of this variant in disease. Therefore, it has been classified as a Variant of Uncertain Significance. Advanced modeling of protein sequence and biophysical properties (such as structural, functional, and spatial information, amino acid conservation, physicochemical variation, residue mobility, and thermodynamic stability) performed at Invitae indicates that this missense variant is not expected to disrupt SMAD4 protein function. This variant has not been reported in the literature in individuals with SMAD4-related conditions. This variant is not present in population databases (ExAC no frequency). This sequence change replaces proline with alanine at codon 313 of the SMAD4 protein (p.Pro313Ala). The proline residue is highly conserved and there is a small physicochemical difference between proline and alanine.

Ambry Genetics
Classification: Uncertain significance for Hereditary cancer-predisposing syndrome; Familial thoracic aortic aneurysm and aortic dissection. Last evaluated: 2017-12-15. Review status: criteria provided, single submitter. Criteria: Ambry Variant Classification Scheme 2023. Collection method: clinical testing. Allele origin: germline.
Comment: The p.P313A variant (also known as c.937C>G), located in coding exon 7 of the SMAD4 gene, results from a C to G substitution at nucleotide position 937. The proline at codon 313 is replaced by alanine, an amino acid with highly similar properties. This amino acid position is highly conserved in available vertebrate species. In addition, the in silico prediction for this alteration is inconclusive. Since supporting evidence is limited at this time, the clinical significance of this alteration remains unclear.

NM_005359.6(SMAD4):c.937C>G (p.Pro313Ala)

Gene: SMAD4 (SMAD family member 4; plus strand). Cytogenetic location: 18q21.2.
Variant type: single nucleotide variant.
Coding change: c.937C>G on transcript NM_005359.6 (MANE Select); coding-DNA position 937, C replaced by G.
Protein change: p.Pro313Ala; replaces proline 313 with alanine.
Molecular consequence: missense variant.
Genome position (GRCh38, 1-based): chr18:51,059,898, C>G. VCF-style: chr18-51059898-C-G. GRCh37 (hg19) VCF-style: chr18-48586268-C-G.
Other names: short protein forms P313A.
Identifiers: ClinVar variation 1500769 (VCV001500769.10), dbSNP rs1909960229, ClinGen allele CA402463705.
Genomic context (GRCh38, chr18:51,059,898, plus strand): 5'-AATGGAATTTTTGTTGTCTTTTCTTTAGGGCCTGTTCACAATGAGCTTGCATTCCAGCCT[C>G]CCATTTCCAATCATCCTGGTAAGTGTATTTCAAAATTGATTTCCTGTATTTAGATTGATT-3'
Protein context (NP_005350.1, residues 303-323): PVHNELAFQP[Pro313Ala]ISNHPAPEYW